The following is an entry in ClinVar:

NM_001291303.3(FAT4):c.6977C>T (p.Thr2326Ile)

Gene: FAT4 (FAT atypical cadherin 4; plus strand). Cytogenetic location: 4q28.1.
Variant type: single nucleotide variant.
Coding change: c.6977C>T on transcript NM_001291303.3 (MANE Select); coding-DNA position 6977, C replaced by T.
Protein change: p.Thr2326Ile; replaces threonine 2326 with isoleucine.
Molecular consequence: missense variant.
Genome position (GRCh38, 1-based): chr4:125,416,581, C>T. VCF-style: chr4-125416581-C-T. GRCh37 (hg19) VCF-style: chr4-126337736-C-T.
Other names: c.6977C>T, p.Thr2326Ile (NM_001291285.3, NM_024582.6); c.6977C>T (NM_024582.5, NM_001291303.1); short protein forms T2326I.
Identifiers: ClinVar variation 425338 (VCV000425338.58), dbSNP rs200344386, ClinGen allele CA3073042.

ClinVar aggregate classification (germline): Conflicting classifications of pathogenicity. Review status: criteria provided, conflicting classifications (1 of 4 stars). 10 submissions from 10 submitters: Uncertain significance (6); Likely benign (1). 3 of the submissions do not count toward it. Last evaluated 2026-02-06.

Conditions:
Inborn genetic diseases. Identifiers: MedGen C0950123, MeSH D030342.
Van Maldergem syndrome 2 (VMLDS2). Identifiers: Orphanet 314679, MedGen C3809875, MONDO:0014242, OMIM 615546.
Hennekam lymphangiectasia-lymphedema syndrome 2 (HKLLS2). Identifiers: Orphanet 2136, MedGen C4014939, MONDO:0014454, OMIM 616006.
FAT4-related disorder. Also called: FAT4-related condition.

Allele frequency attached by ClinVar (database versions not stated): ESP Exome Variant Server 0.00015; gnomAD 0.00016 and 0.00017; gnomAD exomes 0.00017 and 0.00024; TOPMed 0.00020; ExAC 0.00022.
gnomAD v4.1: 371 of 1,613,774 alleles (0.023%); highest among the groups gnomAD compares: Non-Finnish European, 0.03%; no homozygotes.

Submissions (10):

Clinical Genomics Laboratory, Washington University in St. Louis
Classification: Uncertain significance for Van Maldergem syndrome 2; Hennekam lymphangiectasia-lymphedema syndrome 2. Last evaluated: 2026-02-06. Review status: criteria provided, single submitter. Criteria: ACMG Guidelines, 2015. Collection method: clinical testing. Allele origin: germline.
Comment: A FAT4 c.6977C>T (p.Thr2326Ile) variant was identified at a near heterozygous allelic fraction of 45.5%, a frequency which may be consistent with germline origin. This variant, to our knowledge, has not been reported in the medical literature but has been reported in the ClinVar database as a germline variant of uncertain significance by five submitters and as a germline likely benign variant by three submitters (ClinVar Variation ID 425338). It is observed on 371/1,613,774 alleles in the general population (gnomAD v4.1.0). Computational predictors suggest that the variant does not impact FAT4 function. Due to limited information and based on ACMG/AMP guidelines for variant interpretation (Richards S et al., PMID: 25741868), the clinical significance of this variant is uncertain at this time.

Labcorp Genetics (formerly Invitae), Labcorp
Classification: Likely benign. Last evaluated: 2025-12-28. Review status: criteria provided, single submitter. Criteria: Invitae Variant Classification Sherloc (09022015). Collection method: clinical testing. Allele origin: germline.

Blueprint Genetics
Classification: Uncertain significance. Last evaluated: 2024-10-31. Review status: criteria provided, single submitter. Criteria: ACMG Guidelines, 2015. Collection method: clinical testing. Allele origin: germline.

Fulgent Genetics
Classification: Uncertain significance for Van Maldergem syndrome 2; Hennekam lymphangiectasia-lymphedema syndrome 2. Last evaluated: 2024-01-13. Review status: criteria provided, single submitter. Criteria: ACMG Guidelines, 2015. Collection method: clinical testing. Allele origin: germline.

GeneDx
Classification: Uncertain significance. Last evaluated: 2023-06-24. Review status: criteria provided, single submitter. Criteria: GeneDx Variant Classification Process June 2021. Collection method: clinical testing. Allele origin: germline. Affected: yes.
Comment: In silico analysis supports that this missense variant does not alter protein structure/function; Has not been previously published as pathogenic or benign to our knowledge

Ambry Genetics
Classification: Uncertain significance for Inborn genetic diseases. Last evaluated: 2022-12-05. Review status: criteria provided, single submitter. Criteria: Ambry Variant Classification Scheme 2023. Collection method: clinical testing. Allele origin: germline.

CeGaT Center for Human Genetics Tuebingen
Classification: Uncertain significance. Last evaluated: 2016-11-01. Review status: criteria provided, single submitter. Criteria: CeGaT Center For Human Genetics Tuebingen Variant Classification Criteria Version 2. Collection method: clinical testing. Allele origin: germline. Affected: yes. Observed: 1 variant allele.

PreventionGenetics, part of Exact Sciences
Classification: Uncertain significance for FAT4-related condition. Last evaluated: 2024-08-06. Review status: no assertion criteria provided. Collection method: clinical testing. Allele origin: germline. Not counted in ClinVar's aggregate classification.
Comment: The FAT4 c.6977C>T variant is predicted to result in the amino acid substitution p.Thr2326Ile. To our knowledge, this variant has not been reported in the literature. This variant is reported in 0.032% of alleles in individuals of European (Non-Finnish) descent in gnomAD. At this time, the clinical significance of this variant is uncertain due to the absence of conclusive functional and genetic evidence.

Clinical Genetics DNA and cytogenetics Diagnostics Lab, Erasmus MC, Erasmus Medical Center
Classification: Likely benign. Review status: no assertion criteria provided. Collection method: clinical testing. Allele origin: germline. Affected: yes. Study: VKGL Data-share Consensus. Not counted in ClinVar's aggregate classification.

Laboratory of Diagnostic Genome Analysis, Leiden University Medical Center (LUMC)
Classification: Likely benign. Review status: no assertion criteria provided. Collection method: clinical testing. Allele origin: germline. Affected: yes. Study: VKGL Data-share Consensus. Not counted in ClinVar's aggregate classification.

Literature cited by the submitters: uncertain (cited by Clinical Genomics Laboratory, Washington University in St. Louis).